The following is an entry in ClinVar:

NM_183381.3(RNF13):c.262A>T (p.Asn88Tyr)

Gene: RNF13 (ring finger protein 13; plus strand). Cytogenetic location: 3q25.1.
Variant type: single nucleotide variant.
Coding change: c.262A>T on transcript NM_183381.3 (MANE Select); coding-DNA position 262, A replaced by T.
Protein change: p.Asn88Tyr; replaces asparagine 88 with tyrosine.
Molecular consequence: missense variant. On other transcripts: 5 prime UTR variant (6), non-coding transcript variant (1).
Genome position (GRCh38, 1-based): chr3:149,872,095, A>T. VCF-style: chr3-149872095-A-T. GRCh37 (hg19) VCF-style: chr3-149589882-A-T.
Other names: c.262A>T, p.Asn88Tyr (NM_001378285.1, NM_001378286.1, NM_007282.4); c.-106A>T (NM_001378287.1, NM_001378288.1, NM_001378289.1 and 2 more transcripts); c.-132A>T (NM_001378291.1); short protein forms N88Y.
Identifiers: ClinVar variation 1805001 (VCV001805001.1), dbSNP rs2473299021, ClinGen allele CA355010272.

ClinVar aggregate classification (germline): Uncertain significance (1 of 4 stars; one submission).

Conditions:
Developmental and epileptic encephalopathy, 73. Also called: Rnf13-related severe early-onset epileptic encephalopathy; EPILEPTIC ENCEPHALOPATHY, EARLY INFANTILE, 73. Identifiers: Orphanet 544503, MedGen C5193065, MONDO:0034106, OMIM 618379.

Allele frequency attached by ClinVar (database versions not stated): gnomAD exomes below 0.00001.
gnomAD v4.1: 1 of 1,604,858 alleles (0.000062%); highest among the groups gnomAD compares: South Asian, 0.0011%; no homozygotes.

Submission:

Victorian Clinical Genetics Services, Murdoch Childrens Research Institute
Classification: Uncertain significance for Developmental and epileptic encephalopathy, 73. Last evaluated: 2021-05-06. Review status: criteria provided, single submitter. Criteria: ACMG Guidelines, 2015. Collection method: clinical testing. Allele origin: germline. Inheritance: Autosomal dominant inheritance.
Comment: Based on the classification scheme VCGS_Germline_v1.3.4, this variant is classified as VUS-3A. Following criteria are met: 0101 - Gain of function is a mechanism of disease in this gene, demonstrated for missense variants and is associated with developmental and epileptic encephalopathy 73 (MIM#618379) (PMID: 30595371). (I) 0107 - This gene is associated with autosomal dominant disease. (I) 0200 - Variant is predicted to result in a missense amino acid change from asparagine to tyrosine. (I) 0251 - This variant is heterozygous. (I) 0301 - Variant is absent from gnomAD (both v2 and v3). (SP) 0309 - An alternative amino acid change at the same position has been observed in gnomAD (v3) (p.(Asn88Ser): 1 heterozygote, 0 homozygotes). (I) 0501 - Missense variant consistently predicted to be damaging by multiple in silico tools or highly conserved with a major amino acid change. (SP) 0600 - Variant is located in the annotated protease-associated domain (NCBI conserved domain). (I) 0705 - No comparable missense variants have previous evidence for pathogenicity. (I) 0807 - This variant has no previous evidence of pathogenicity. (I) 0905 - No published segregation evidence has been identified for this variant. (I) 1007 - No published functional evidence has been identified for this variant. (I) 1208 - Inheritance information for this variant is not currently available in this individual. (I) Legend: (SP) - Supporting pathogenic, (I) - Information, (SB) - Supporting benign

Literature cited by the submitters: PubMed 30595371.